The following is an entry in ClinVar:

NM_006341.4(MAD2L2):c.278G>T (p.Arg93Leu)

Gene: MAD2L2 (mitotic arrest deficient 2 like 2; minus strand). Cytogenetic location: 1p36.22.
Variant type: single nucleotide variant.
Coding change: c.278G>T on transcript NM_006341.4 (MANE Select); coding-DNA position 278, G replaced by T.
Protein change: p.Arg93Leu; replaces arginine 93 with leucine.
Molecular consequence: missense variant.
Genome position (GRCh38, 1-based): chr1:11,676,902, C>A on the plus strand (G>T on the coding strand, the complement: MAD2L2 is on the minus strand). VCF-style: chr1-11676902-C-A. GRCh37 (hg19) VCF-style: chr1-11736959-C-A.
Other names: c.278G>T, p.Arg93Leu (NM_001127325.2); short protein forms R93L.
Identifiers: ClinVar variation 2837153 (VCV002837153.3), dbSNP rs151024263, ClinGen allele CA338416702.

ClinVar aggregate classification (germline): Uncertain significance (1 of 4 stars; one submission).

Submission:

Labcorp Genetics (formerly Invitae), Labcorp
Classification: Uncertain significance. Last evaluated: 2023-09-04. Review status: criteria provided, single submitter. Criteria: Invitae Variant Classification Sherloc (09022015). Collection method: clinical testing. Allele origin: germline.
Comment: In summary, the available evidence is currently insufficient to determine the role of this variant in disease. Therefore, it has been classified as a Variant of Uncertain Significance. This sequence change replaces arginine, which is basic and polar, with leucine, which is neutral and non-polar, at codon 93 of the MAD2L2 protein (p.Arg93Leu). This variant is not present in population databases (gnomAD no frequency). This variant has not been reported in the literature in individuals affected with MAD2L2-related conditions. An algorithm developed to predict the effect of missense changes on protein structure and function (PolyPhen-2) suggests that this variant is likely to be tolerated.